The following is an entry in ClinVar:

NM_000368.5(TSC1):c.2251A>C (p.Lys751Gln)

Gene: TSC1 (TSC complex subunit 1; minus strand). Cytogenetic location: 9q34.13.
Variant type: single nucleotide variant.
Coding change: c.2251A>C on transcript NM_000368.5 (MANE Select); coding-DNA position 2251, A replaced by C.
Protein change: p.Lys751Gln; replaces lysine 751 with glutamine.
Molecular consequence: missense variant.
Genome position (GRCh38, 1-based): chr9:132,902,745, T>G on the plus strand (A>C on the coding strand, the complement: TSC1 is on the minus strand). VCF-style: chr9-132902745-T-G. GRCh37 (hg19) VCF-style: chr9-135778132-T-G.
Other names: c.2248A>C, p.Lys750Gln (NM_001162426.2); c.2098A>C, p.Lys700Gln (NM_001162427.2); c.1888A>C, p.Lys630Gln (NM_001362177.2); short protein forms K630Q, K700Q, K750Q, K751Q.
Identifiers: ClinVar variation 950276 (VCV000950276.12), dbSNP rs1845453569, ClinGen allele CA375359899.

ClinVar aggregate classification (germline): Uncertain significance. Review status: criteria provided, multiple submitters, no conflicts (2 of 4 stars). 4 submissions from 4 submitters: Uncertain significance (4). Last evaluated 2025-06-10.

Conditions:
Tuberous sclerosis 1 (TSC1). Identifiers: Orphanet 805, MedGen C1854465, MONDO:0008612, OMIM 191100.
Hereditary cancer-predisposing syndrome. Also called: Hereditary neoplastic syndrome; Tumor predisposition; Neoplastic Syndromes, Hereditary; Hereditary Cancer Syndrome. Identifiers: Orphanet 140162, MedGen C0027672, MeSH D009386, MONDO:0015356.
Tuberous sclerosis syndrome (TSC). Also called: Tuberous Sclerosis Complex; Tuberous sclerosis. Identifiers: Orphanet 805, MedGen C0041341, MONDO:0001734.

Allele frequency attached by ClinVar (database versions not stated): gnomAD exomes below 0.00001.
gnomAD v4.1: 1 of 1,614,080 alleles (0.000062%); highest among the groups gnomAD compares: Non-Finnish European, 0.000085%; no homozygotes.

Submissions (4):

Labcorp Genetics (formerly Invitae), Labcorp
Classification: Uncertain significance for Tuberous sclerosis 1. Last evaluated: 2025-06-10. Review status: criteria provided, single submitter. Criteria: Invitae Variant Classification Sherloc (09022015). Collection method: clinical testing. Allele origin: germline.
Comment: This sequence change replaces lysine, which is basic and polar, with glutamine, which is neutral and polar, at codon 751 of the TSC1 protein (p.Lys751Gln). This variant is not present in population databases (gnomAD no frequency). This variant has not been reported in the literature in individuals affected with TSC1-related conditions. ClinVar contains an entry for this variant (Variation ID: 950276). Invitae Evidence Modeling of protein sequence and biophysical properties (such as structural, functional, and spatial information, amino acid conservation, physicochemical variation, residue mobility, and thermodynamic stability) indicates that this missense variant is not expected to disrupt TSC1 protein function with a negative predictive value of 95%. In summary, the available evidence is currently insufficient to determine the role of this variant in disease. Therefore, it has been classified as a Variant of Uncertain Significance.

Ambry Genetics
Classification: Uncertain significance for Hereditary cancer-predisposing syndrome. Last evaluated: 2024-12-31. Review status: criteria provided, single submitter. Criteria: Ambry Variant Classification Scheme 2023. Collection method: clinical testing. Allele origin: germline.
Comment: The p.K751Q variant (also known as c.2251A>C), located in coding exon 16 of the TSC1 gene, results from an A to C substitution at nucleotide position 2251. The lysine at codon 751 is replaced by glutamine, an amino acid with similar properties. This amino acid position is well conserved in available vertebrate species. In addition, the in silico prediction for this alteration is inconclusive. Based on the available evidence, the clinical significance of this variant remains unclear.

Quest Diagnostics Nichols Institute San Juan Capistrano
Classification: Uncertain significance. Last evaluated: 2024-12-13. Review status: criteria provided, single submitter. Criteria: Quest Diagnostics criteria. Collection method: clinical testing. Allele origin: unknown.

All of Us Research Program, National Institutes of Health
Classification: Uncertain significance for Tuberous sclerosis syndrome. Last evaluated: 2023-04-03. Review status: criteria provided, single submitter. Criteria: ACMG Guidelines, 2015. Collection method: clinical testing. Allele origin: germline. Inheritance: Autosomal dominant inheritance. Observed: 1 variant allele, 1 heterozygote.
Comment: This missense variant replaces lysine with glutamine at codon 751 of the TSC1 protein. Computational prediction suggests that this variant may not impact protein structure and function (internally defined REVEL score threshold <= 0.5, PMID: 27666373). To our knowledge, functional studies have not been reported for this variant. This variant has not been reported in individuals affected with TSC1-related disorders in the literature. This variant has not been identified in the general population by the Genome Aggregation Database (gnomAD). The available evidence is insufficient to determine the role of this variant in disease conclusively. Therefore, this variant is classified as a Variant of Uncertain Significance.

This study involves interpretation of variants in research participants for the purpose of population health screening. Participant phenotype was not available at the time of variant classification. Additional details can be found in publication PMID: 35346344, PMCID: PMC8962531